The following is an entry in ClinVar:

NM_022552.5(DNMT3A):c.1317G>A (p.Met439Ile)

Gene: DNMT3A (DNA methyltransferase 3 alpha; minus strand). Cytogenetic location: 2p23.3.
Variant type: single nucleotide variant.
Coding change: c.1317G>A on transcript NM_022552.5 (MANE Select); coding-DNA position 1317, G replaced by A.
Protein change: p.Met439Ile; replaces methionine 439 with isoleucine.
Molecular consequence: missense variant. On other transcripts: non-coding transcript variant (1).
Genome position (GRCh38, 1-based): chr2:25,246,272, C>T on the plus strand (G>A on the coding strand, the complement: DNMT3A is on the minus strand). VCF-style: chr2-25246272-C-T. GRCh37 (hg19) VCF-style: chr2-25469141-C-T.
Other names: c.861G>A, p.Met287Ile (NM_001320893.1); c.648G>A, p.Met216Ile (NM_001375819.1); c.750G>A, p.Met250Ile (NM_153759.3); c.1317G>A, p.Met439Ile (NM_175629.2); short protein forms M287I, M216I, M250I, M439I.
Identifiers: ClinVar variation 3005847 (VCV003005847.3), dbSNP rs1004570713, ClinGen allele CA43705152.
Genomic context (GRCh38, chr2:25,246,272, plus strand): 5'-CTTCCGGGGCTTTTTGGCTGGTGGAGGTGGTGCGTAGGCAGCTGCCTCAGGTTCCACCCA[C>T]ATGTCCGTGTACACTTCTTTGTAGGGATTCTTCTCTTCTGGAGGAGGAAAGCAGGTGCCA-3'
Protein context (NP_072046.2, residues 429-449): KNPYKEVYTD[Met439Ile]WVEPEAAAYA

ClinVar aggregate classification (germline): Uncertain significance (1 of 4 stars; one submission).

Conditions:
Tatton-Brown-Rahman overgrowth syndrome. Also called: Tatton-Brown-Rahman syndrome; Tall stature-intellectual disability-facial dysmorphism syndrome. Identifiers: Orphanet 404443, MedGen C4014545, MONDO:0014382, OMIM 615879.

Allele frequency attached by ClinVar (database versions not stated): gnomAD 0.00003; TOPMed 0.00005.
gnomAD v4.1: 4 of 1,613,784 alleles (0.00025%); highest among the groups gnomAD compares: African/African-American, 0.0053%; no homozygotes.

Submission:

Labcorp Genetics (formerly Invitae), Labcorp
Classification: Uncertain significance for Tatton-Brown-Rahman overgrowth syndrome. Last evaluated: 2023-11-17. Review status: criteria provided, single submitter. Criteria: Invitae Variant Classification Sherloc (09022015). Collection method: clinical testing. Allele origin: germline.
Comment: This sequence change replaces methionine, which is neutral and non-polar, with isoleucine, which is neutral and non-polar, at codon 439 of the DNMT3A protein (p.Met439Ile). This variant is present in population databases (no rsID available, gnomAD 0.007%). This variant has not been reported in the literature in individuals affected with DNMT3A-related conditions. Advanced modeling of protein sequence and biophysical properties (such as structural, functional, and spatial information, amino acid conservation, physicochemical variation, residue mobility, and thermodynamic stability) performed at Invitae indicates that this missense variant is not expected to disrupt DNMT3A protein function with a negative predictive value of 80%. In summary, the available evidence is currently insufficient to determine the role of this variant in disease. Therefore, it has been classified as a Variant of Uncertain Significance.